The following is an entry in ClinVar:

ClinVar aggregate classification (germline): Pathogenic (1 of 4 stars; one submission).

Conditions:
Duchenne muscular dystrophy (DMD). Also called: MUSCULAR DYSTROPHY, PSEUDOHYPERTROPHIC PROGRESSIVE, DUCHENNE TYPE; Duchenne Muscular Dystrophy (DMD). Identifiers: Orphanet 98896, MedGen C0013264, MONDO:0010679, OMIM 310200.

Submission:

Labcorp Genetics (formerly Invitae), Labcorp
Classification: Pathogenic for Duchenne muscular dystrophy. Last evaluated: 2024-03-25. Review status: criteria provided, single submitter. Criteria: Invitae Variant Classification Sherloc (09022015). Collection method: clinical testing. Allele origin: germline.
Comment: This sequence change affects a donor splice site in intron 26 of the DMD gene. It is expected to disrupt RNA splicing. Variants that disrupt the donor or acceptor splice site typically lead to a loss of protein function (PMID: 16199547), and loss-of-function variants in DMD are known to be pathogenic (PMID: 16770791, 25007885). This variant is not present in population databases (gnomAD no frequency). Disruption of this splice site has been observed in individuals with Duchenne muscular dystrophy (PMID: 19937601, 23536893). ClinVar contains an entry for this variant (Variation ID: 964684). Algorithms developed to predict the effect of sequence changes on RNA splicing suggest that this variant may disrupt the consensus splice site. For these reasons, this variant has been classified as Pathogenic.

Literature cited by the submitters: PubMed 16199547; PubMed 16770791; PubMed 25007885; PubMed 19937601; PubMed 23536893.

NM_004006.3(DMD):c.3603+2T>C

Gene: DMD (dystrophin; minus strand). Cytogenetic location: Xp21.1.
Variant type: single nucleotide variant.
Coding change: c.3603+2T>C on transcript NM_004006.3 (MANE Select); the canonical splice donor site of the intron after coding-DNA position 3603, T replaced by C.
Molecular consequence: splice donor variant.
Genome position (GRCh38, 1-based): chrX:32,454,660, A>G on the plus strand (T>C on the coding strand, the complement: DMD is on the minus strand). VCF-style: chrX-32454660-A-G. GRCh37 (hg19) VCF-style: chrX-32472777-A-G.
Other names: c.3579+2T>C (NM_000109.4); c.3591+2T>C (NM_004009.3); c.3234+2T>C (NM_004010.3).
Identifiers: ClinVar variation 964684 (VCV000964684.11), dbSNP rs146071084, ClinGen allele CA412662826.
Genomic context (GRCh38, chrX:32,454,660, plus strand): 5'-CATTTCTTTCTTTTTCCATTTATTTCCTTTGTTTTACTTAGTTTTTCTTTTTTTTTTTTT[A>G]CCTTCATCTCTTCAACTGCTTTCTGTAATTCATCTGGAGTTTTATATTCAAAATCTCTCT-3'